The following is an entry in ClinVar:

ClinVar aggregate classification (germline): Uncertain significance (1 of 4 stars; one submission).

Allele frequency attached by ClinVar (database versions not stated): gnomAD exomes below 0.00001.
gnomAD v4.1: 2 of 1,187,708 alleles (0.00017%); highest among the groups gnomAD compares: African/African-American, 0.0035%; no homozygotes.

Submission:

Labcorp Genetics (formerly Invitae), Labcorp
Classification: Uncertain significance. Last evaluated: 2023-08-31. Review status: criteria provided, single submitter. Criteria: Invitae Variant Classification Sherloc (09022015). Collection method: clinical testing. Allele origin: germline.
Comment: In summary, the available evidence is currently insufficient to determine the role of this variant in disease. Therefore, it has been classified as a Variant of Uncertain Significance. An algorithm developed to predict the effect of missense changes on protein structure and function (PolyPhen-2) suggests that this variant is likely to be tolerated. This variant has not been reported in the literature in individuals affected with OPHN1-related conditions. This variant is not present in population databases (gnomAD no frequency). This sequence change replaces lysine, which is basic and polar, with glutamic acid, which is acidic and polar, at codon 700 of the OPHN1 protein (p.Lys700Glu).

NM_002547.3(OPHN1):c.2098A>G (p.Lys700Glu)

Gene: OPHN1 (oligophrenin 1; minus strand). Cytogenetic location: Xq12.
Variant type: single nucleotide variant.
Coding change: c.2098A>G on transcript NM_002547.3 (MANE Select); coding-DNA position 2098, A replaced by G.
Protein change: p.Lys700Glu; replaces lysine 700 with glutamic acid.
Molecular consequence: missense variant.
Genome position (GRCh38, 1-based): chrX:68,063,914, T>C on the plus strand (A>G on the coding strand, the complement: OPHN1 is on the minus strand). VCF-style: chrX-68063914-T-C. GRCh37 (hg19) VCF-style: chrX-67283756-T-C.
Other names: short protein forms K700E.
Identifiers: ClinVar variation 2756991 (VCV002756991.3), dbSNP rs2519631818, ClinGen allele CA413430247.
Genomic context (GRCh38, chrX:68,063,914, plus strand): 5'-CCTCCTTGTGGTGGGCCAGGGGCCGGGGAGCTGGTCTCTTTATGTGGAAAGAGGGGGTCT[T>C]GGTGGGCCCAGAGCCTGGCATGGGTCCATTGGTGGCCTTTGGGGTGATCTTGGTCCCTCC-3'
Protein context (NP_002538.1, residues 690-710): NGPMPGSGPT[Lys700Glu]TPSFHIKRPA